The following is an entry in ClinVar:

ClinVar aggregate classification (germline): Uncertain significance (1 of 4 stars; one submission).

gnomAD v4.1: 1 of 1,613,798 alleles (0.000062%); highest among the groups gnomAD compares: Non-Finnish European, 0.000085%; no homozygotes.

Submission:

Mayo Clinic Laboratories, Mayo Clinic
Classification: Uncertain significance. Last evaluated: 2025-03-06. Review status: criteria provided, single submitter. Criteria: ACMG Guidelines, 2015. Collection method: clinical testing. Allele origin: germline. Observed: 1 variant allele.
Comment: PM2_supporting

NM_001129.5(AEBP1):c.1087G>A (p.Asp363Asn)

Gene: AEBP1 (AE binding protein 1; plus strand). Cytogenetic location: 7p13.
Variant type: single nucleotide variant.
Coding change: c.1087G>A on transcript NM_001129.5 (MANE Select); coding-DNA position 1087, G replaced by A.
Protein change: p.Asp363Asn; replaces aspartic acid 363 with asparagine.
Molecular consequence: missense variant.
Genome position (GRCh38, 1-based): chr7:44,109,175, G>A. VCF-style: chr7-44109175-G-A. GRCh37 (hg19) VCF-style: chr7-44148774-G-A.
Other names: p.Asp363Asn; short protein forms D363N.
Identifiers: ClinVar variation 4541278 (VCV004541278.1).